The following is an entry in ClinVar:

ClinVar aggregate classification (germline): Conflicting classifications of pathogenicity. Review status: criteria provided, conflicting classifications (1 of 4 stars). 2 submissions from 2 submitters: Uncertain significance (1); Likely benign (1). Last evaluated 2020-02-24.

Conditions:
Woodhouse-Sakati syndrome. Also called: Hypogonadism, Alopecia, Diabetes Mellitus, Mental Retardation, and Extrapyramidal Syndrome; Hypogonadism, diabetes mellitus, alopecia, mental retardation and electrocardiographic abnormalities; EXTRAPYRAMIDAL DISORDER, PROGRESSIVE, WITH PRIMARY HYPOGONADISM, MENTAL RETARDATION, AND ALOPECIA. Identifiers: Orphanet 3464, MedGen C0342286, MONDO:0009419, OMIM 241080.

Allele frequency attached by ClinVar (database versions not stated): gnomAD exomes 0.00134 and 0.00239; ExAC 0.01013; 1000 Genomes Project 0.00459; gnomAD 0.00001 and 0.00050; TOPMed 0.00012; 1000 Genomes Project 30x 0.00375.
gnomAD v4.1: 938 of 817,290 alleles (0.11%); highest among the groups gnomAD compares: South Asian, 1.3%; 14 homozygotes.

Submissions (2):

GeneDx
Classification: Likely benign. Last evaluated: 2020-02-24. Review status: criteria provided, single submitter. Criteria: GeneDx Variant Classification Process June 2021. Collection method: clinical testing. Allele origin: germline. Affected: yes.
Comment: See Variant Classification Assertion Criteria.

Illumina Laboratory Services, Illumina
Classification: Uncertain significance for Woodhouse-Sakati syndrome. Last evaluated: 2017-04-27. Review status: criteria provided, single submitter. Criteria: ICSL Variant Classification Criteria 13 December 2019. Collection method: clinical testing. Allele origin: germline.

NM_025000.4(DCAF17):c.-213C>T

Genes: DCAF17 (DDB1 and CUL4 associated factor 17; plus strand), METTL8 (methyltransferase 8, tRNA N3-cytidine; minus strand). Cytogenetic location: 2q31.1.
Variant type: single nucleotide variant.
Coding change: c.-213C>T on transcript NM_025000.4 (MANE Select); 213 bases upstream of the start codon, C replaced by T.
Molecular consequence: 5 prime UTR variant. On other transcripts: non-coding transcript variant (1), intron variant (4).
Genome position (GRCh38, 1-based): chr2:171,434,365, C>T. VCF-style: chr2-171434365-C-T. GRCh37 (hg19) VCF-style: chr2-172290875-C-T.
Other names: c.-213C>T (NM_001164821.2); c.8+309G>A (NM_001321161.2, NM_001321158.2, NM_001321157.2); c.-13+309G>A (NM_024770.5).
Identifiers: ClinVar variation 893224 (VCV000893224.7), dbSNP rs377182072, ClinGen allele CA1964520.
Genomic context (GRCh38, chr2:171,434,365, plus strand): 5'-GGAGCGTCGCACTGTCAGCGGCCAGAGAGCCTGGGGCAGATCGAAAAGGGAGTGCTTCTT[C>T]CCTTCTCTCCGCGCTCTGGCGGTGCAAGCGGCTCTGCTTTCCCTCGCCCCGCCGTCGGGT-3'